The following is an entry in ClinVar:

NM_006924.5(SRSF1):c.130G>A (p.Asp44Asn)

Gene: SRSF1 (serine and arginine rich splicing factor 1; minus strand). Cytogenetic location: 17q22.
Variant type: single nucleotide variant.
Coding change: c.130G>A on transcript NM_006924.5 (MANE Select); coding-DNA position 130, G replaced by A.
Protein change: p.Asp44Asn; replaces aspartic acid 44 with asparagine.
Molecular consequence: missense variant. On other transcripts: non-coding transcript variant (1).
Genome position (GRCh38, 1-based): chr17:58,007,008, C>T on the plus strand (G>A on the coding strand, the complement: SRSF1 is on the minus strand). VCF-style: chr17-58007008-C-T. GRCh37 (hg19) VCF-style: chr17-56084369-C-T.
Other names: c.130G>A (NM_001078166.1); c.130G>A, p.Asp44Asn (NM_001078166.2); short protein forms D44N.
Identifiers: ClinVar variation 2429779 (VCV002429779.3), dbSNP rs2509290276, ClinGen allele CA399946768.

ClinVar aggregate classification (germline): Uncertain significance. Review status: criteria provided, multiple submitters, no conflicts (2 of 4 stars). 2 submissions from 2 submitters: Uncertain significance (2). Last evaluated 2023-02-16.

Conditions:
Intellectual disability. Also called: Intellectual functioning disability; intellectual disabilities; Intellectual developmental disorder. Identifiers: MedGen C3714756, MeSH D008607, MONDO:0001071, HP:0001249.
Neurodevelopmental delay. Identifiers: MedGen C4022738, HP:0012758.

Submissions (2):

GeneDx
Classification: Uncertain significance. Last evaluated: 2023-02-16. Review status: criteria provided, single submitter. Criteria: GeneDx Variant Classification Process June 2021. Collection method: clinical testing. Allele origin: germline. Affected: yes.
Comment: De novo variant with confirmed parentage in a patient with neurodevelopmental features in the published literature (PMID: 37071997); Published functional studies indicate that this variant allows SRSF1 to retain splicing activity and may not lead to a loss of function (Bogaert et al., 2023); In silico analysis supports that this missense variant does not alter protein structure/function; Not observed in large population cohorts (gnomAD); This variant is associated with the following publications: (PMID: 37071997)

Equipe Genetique des Anomalies du Developpement, Université de Bourgogne
Classification: Uncertain significance for Neurodevelopmental delay; Intellectual disability. Last evaluated: 2023-02-15. Review status: criteria provided, single submitter. Criteria: ACMG Guidelines, 2015. Collection method: clinical testing. Allele origin: de novo. Affected: yes. Observed: 1 variant allele.

Literature cited by the submitters: PubMed 37071997 (cited by Equipe Genetique des Anomalies du Developpement, Université de Bourgogne).